The following is an entry in ClinVar:

NM_015915.5(ATL1):c.1413C>A (p.Asp471Glu)

Gene: ATL1 (atlastin GTPase 1; plus strand). Cytogenetic location: 14q22.1.
Variant type: single nucleotide variant.
Coding change: c.1413C>A on transcript NM_015915.5 (MANE Select); coding-DNA position 1413, C replaced by A.
Protein change: p.Asp471Glu; replaces aspartic acid 471 with glutamic acid.
Molecular consequence: missense variant.
Genome position (GRCh38, 1-based): chr14:50,628,324, C>A. VCF-style: chr14-50628324-C-A. GRCh37 (hg19) VCF-style: chr14-51095042-C-A.
Other names: c.1413C>A, p.Asp471Glu (NM_001127713.1, NM_181598.4); short protein forms D471E.
Identifiers: ClinVar variation 4709880 (VCV004709880.1).

ClinVar aggregate classification (germline): Uncertain significance (1 of 4 stars; one submission).

Conditions:
Hereditary spastic paraplegia 3A (SPG3A). Also called: SPASTIC PARAPLEGIA 3, AUTOSOMAL DOMINANT; FAMILIAL SPASTIC PARAPLEGIA, AUTOSOMAL DOMINANT, 1; SPG3; STRUMPELL DISEASE; Spastic Paraplegia 3A; Spastic paraplegia 3A, autosomal dominant. Identifiers: Orphanet 100984, MedGen C2931355, MONDO:0008437, OMIM 182600.

Submission:

Labcorp Genetics (formerly Invitae), Labcorp
Classification: Uncertain significance for Hereditary spastic paraplegia 3A. Last evaluated: 2025-04-27. Review status: criteria provided, single submitter. Criteria: Invitae Variant Classification Sherloc (09022015). Collection method: clinical testing. Allele origin: germline.
Comment: This sequence change replaces aspartic acid, which is acidic and polar, with glutamic acid, which is acidic and polar, at codon 471 of the ATL1 protein (p.Asp471Glu). This variant is not present in population databases (gnomAD no frequency). This variant has not been reported in the literature in individuals affected with ATL1-related conditions. Invitae Evidence Modeling of protein sequence and biophysical properties (such as structural, functional, and spatial information, amino acid conservation, physicochemical variation, residue mobility, and thermodynamic stability) has been performed for this missense variant. However, the output from this modeling did not meet the statistical confidence thresholds required to predict the impact of this variant on ATL1 protein function. In summary, the available evidence is currently insufficient to determine the role of this variant in disease. Therefore, it has been classified as a Variant of Uncertain Significance.